The following is an entry in ClinVar:

ClinVar aggregate classification (germline): Uncertain significance (1 of 4 stars; one submission).

Submission:

GeneDx
Classification: Uncertain significance. Last evaluated: 2023-02-20. Review status: criteria provided, single submitter. Criteria: GeneDx Variant Classification Process June 2021. Collection method: clinical testing. Allele origin: germline. Affected: yes.
Comment: Not observed at significant frequency in large population cohorts (gnomAD); Has not been previously published as pathogenic or benign to our knowledge; In silico analysis is inconclusive as to whether the variant alters gene splicing. In the absence of RNA/functional studies, the actual effect of this sequence change is unknown.

NM_002637.4(PHKA1):c.2527-9T>C

Gene: PHKA1 (phosphorylase kinase regulatory subunit alpha 1; minus strand). Cytogenetic location: Xq13.1.
Variant type: single nucleotide variant.
Coding change: c.2527-9T>C on transcript NM_002637.4 (MANE Select); 9 bases into the intron before coding-DNA position 2527, T replaced by C.
Molecular consequence: intron variant.
Genome position (GRCh38, 1-based): chrX:72,609,712, A>G on the plus strand (T>C on the coding strand, the complement: PHKA1 is on the minus strand). VCF-style: chrX-72609712-A-G. GRCh37 (hg19) VCF-style: chrX-71829562-A-G.
Other names: c.2350-9T>C (NM_001172436.2); c.2527-9T>C (NM_001122670.2).
Identifiers: ClinVar variation 2576802 (VCV002576802.1), dbSNP rs2522438817, ClinGen allele CA2580612356.